The following is an entry in ClinVar:

ClinVar aggregate classification (germline): Uncertain significance (1 of 4 stars; one submission).

Conditions:
Succinate-semialdehyde dehydrogenase deficiency (SSADHD). Also called: 4-HYDROXYBUTYRIC ACIDURIA; GABA METABOLIC DEFECT; Succinic Semialdehyde Dehydrogenase Deficiency; SSADH DEFICIENCY. Identifiers: Orphanet 22, MedGen C0268631, MONDO:0010083, OMIM 271980.

Allele frequency attached by ClinVar (database versions not stated): gnomAD exomes below 0.00001; TOPMed 0.00001; gnomAD 0.00003.
gnomAD v4.1: 5 of 1,315,294 alleles (0.00038%); highest among the groups gnomAD compares: African/African-American, 0.0061%; no homozygotes.

Submission:

Labcorp Genetics (formerly Invitae), Labcorp
Classification: Uncertain significance for Succinate-semialdehyde dehydrogenase deficiency. Last evaluated: 2022-03-19. Review status: criteria provided, single submitter. Criteria: Invitae Variant Classification Sherloc (09022015). Collection method: clinical testing. Allele origin: germline.
Comment: This sequence change affects the initiator methionine of the ALDH5A1 mRNA. The next in-frame methionine is located at codon 89. In summary, the available evidence is currently insufficient to determine the role of this variant in disease. Therefore, it has been classified as a Variant of Uncertain Significance. Experimental studies and prediction algorithms are not available or were not evaluated, and the functional significance of this variant is currently unknown. This variant has not been reported in the literature in individuals affected with ALDH5A1-related conditions. This variant is present in population databases (no rsID available, gnomAD 0.06%).

NM_001080.3(ALDH5A1):c.2T>C (p.Met1Thr)

Genes: ALDH5A1 (aldehyde dehydrogenase 5 family member A1; plus strand), GPLD1 (glycosylphosphatidylinositol specific phospholipase D1; minus strand), LOC129995978 (ATAC-STARR-seq lymphoblastoid silent region 16989; plus strand). Cytogenetic location: 6p22.3.
Variant type: single nucleotide variant.
Coding change: c.2T>C on transcript NM_001080.3 (MANE Select); coding-DNA position 2, T replaced by C.
Protein change: p.Met1Thr; changes the start codon (methionine 1).
Molecular consequence: missense variant, initiator codon variant.
Genome position (GRCh38, 1-based): chr6:24,494,998, T>C. VCF-style: chr6-24494998-T-C. GRCh37 (hg19) VCF-style: chr6-24495226-T-C.
Other names: c.2T>C, p.Met1Thr (NM_001368954.1, NM_170740.1); short protein forms M1T.
Identifiers: ClinVar variation 1918257 (VCV001918257.6), dbSNP rs1248373329, ClinGen allele CA362968042.
Genomic context (GRCh38, chr6:24,494,998, plus strand): 5'-TGCGTTCCCGTGCGCGCGCGCCCGCTTGCCTGTTTCCTGTCGCCGTCGTTGCCCGGGCCA[T>C]GGCGACCTGCATTTGGCTGCGGAGCTGTGGGGCCCGGCGCCTCGGGTCGACGTTTCCAGG-3'
Protein context (NP_001071.1, residues 1-11): [Met1Thr]ATCIWLRSCG